The following is an entry in ClinVar:

NM_000535.7(PMS2):c.2471C>A (p.Thr824Lys)

Gene: PMS2 (PMS1 homolog 2, mismatch repair system component; minus strand). Cytogenetic location: 7p22.1.
Variant type: single nucleotide variant.
Coding change: c.2471C>A on transcript NM_000535.7 (MANE Select); coding-DNA position 2471, C replaced by A.
Protein change: p.Thr824Lys; replaces threonine 824 with lysine.
Molecular consequence: missense variant. On other transcripts: non-coding transcript variant (1).
Genome position (GRCh38, 1-based): chr7:5,973,517, G>T on the plus strand (C>A on the coding strand, the complement: PMS2 is on the minus strand). VCF-style: chr7-5973517-G-T. GRCh37 (hg19) VCF-style: chr7-6013148-G-T.
Other names: c.2066C>A, p.Thr689Lys (NM_001322003.2, NM_001322004.2, NM_001322005.2); c.2315C>A, p.Thr772Lys (NM_001322006.2); c.2153C>A, p.Thr718Lys (NM_001322007.2, NM_001322008.2); c.2099C>A, p.Thr700Lys (NM_001322009.2); c.1910C>A, p.Thr637Lys (NM_001322010.2); c.1538C>A, p.Thr513Lys (NM_001322011.2, NM_001322012.2); c.1898C>A, p.Thr633Lys (NM_001322013.2); c.2504C>A, p.Thr835Lys (NM_001322014.2); and 1 more; short protein forms T824K, T689K, T772K, T835K, T637K, T700K, T718K, T513K.
Identifiers: ClinVar variation 548759 (VCV000548759.3), dbSNP rs1354323014, ClinGen allele CA366734993.

ClinVar aggregate classification (germline): Uncertain significance. Review status: criteria provided, single submitter (1 of 4 stars). 2 submissions from 2 submitters: Uncertain significance (1). 1 of the submissions does not count toward it. Last evaluated 2025-01-08.

Conditions:
Hereditary cancer-predisposing syndrome. Also called: Hereditary Cancer Syndrome; Hereditary neoplastic syndrome; Tumor predisposition; Neoplastic Syndromes, Hereditary. Identifiers: Orphanet 140162, MedGen C0027672, MeSH D009386, MONDO:0015356.
Lynch syndrome 4 (LYNCH4). Also called: Hereditary non-polyposis colorectal cancer, type 4; Colorectal cancer, hereditary nonpolyposis, type 4. Identifiers: Orphanet 144, MedGen C1838333, MONDO:0013699, OMIM 614337. Disease mechanism: loss of function.

Submissions (2):

Ambry Genetics
Classification: Uncertain significance for Hereditary cancer-predisposing syndrome. Last evaluated: 2025-01-08. Review status: criteria provided, single submitter. Criteria: Ambry Variant Classification Scheme 2023. Collection method: clinical testing. Allele origin: germline.
Comment: The p.T824K variant (also known as c.2471C>A), located in coding exon 15 of the PMS2 gene, results from a C to A substitution at nucleotide position 2471. The threonine at codon 824 is replaced by lysine, an amino acid with similar properties. This amino acid position is conserved. In addition, this alteration is predicted to be tolerated by in silico analysis. Based on the available evidence, the clinical significance of this variant remains unclear.

Counsyl
Classification: Uncertain significance for Lynch syndrome 4. Last evaluated: 2017-07-07. Review status: no assertion criteria provided. Collection method: clinical testing. Allele origin: unknown. Not counted in ClinVar's aggregate classification.